The following is an entry in ClinVar:

NM_000214.3(JAG1):c.3636C>A (p.Asn1212Lys)

Gene: JAG1 (jagged canonical Notch ligand 1; minus strand). Cytogenetic location: 20p12.2.
Variant type: single nucleotide variant.
Coding change: c.3636C>A on transcript NM_000214.3 (MANE Select); coding-DNA position 3636, C replaced by A.
Protein change: p.Asn1212Lys; replaces asparagine 1212 with lysine.
Molecular consequence: missense variant.
Genome position (GRCh38, 1-based): chr20:10,639,519, G>T on the plus strand (C>A on the coding strand, the complement: JAG1 is on the minus strand). VCF-style: chr20-10639519-G-T. GRCh37 (hg19) VCF-style: chr20-10620167-G-T.
Other names: short protein forms N1212K.
Identifiers: ClinVar variation 3637684 (VCV003637684.2).

ClinVar aggregate classification (germline): Uncertain significance (1 of 4 stars; one submission).

Conditions:
Alagille syndrome due to a JAG1 point mutation. Also called: Alagille Syndrome 1; JAG1-Related Alagille Syndrome; HEPATIC DUCTULAR HYPOPLASIA, SYNDROMATIC. Identifiers: Orphanet 261619, Orphanet 52, MedGen C1956125, MONDO:0016862, OMIM 118450.

Submission:

Labcorp Genetics (formerly Invitae), Labcorp
Classification: Uncertain significance for Alagille syndrome due to a JAG1 point mutation. Last evaluated: 2024-04-26. Review status: criteria provided, single submitter. Criteria: Invitae Variant Classification Sherloc (09022015). Collection method: clinical testing. Allele origin: germline.
Comment: This sequence change replaces asparagine, which is neutral and polar, with lysine, which is basic and polar, at codon 1212 of the JAG1 protein (p.Asn1212Lys). This variant is not present in population databases (gnomAD no frequency). This variant has not been reported in the literature in individuals affected with JAG1-related conditions. Advanced modeling of protein sequence and biophysical properties (such as structural, functional, and spatial information, amino acid conservation, physicochemical variation, residue mobility, and thermodynamic stability) performed at Invitae indicates that this missense variant is not expected to disrupt JAG1 protein function with a negative predictive value of 95%. In summary, the available evidence is currently insufficient to determine the role of this variant in disease. Therefore, it has been classified as a Variant of Uncertain Significance.